The following is an entry in ClinVar:

ClinVar aggregate classification (germline): Uncertain significance (1 of 4 stars; one submission).

Submission:

GeneDx
Classification: Uncertain significance. Last evaluated: 2022-04-14. Review status: criteria provided, single submitter. Criteria: GeneDx Variant Classification Process June 2021. Collection method: clinical testing. Allele origin: germline. Affected: yes.
Comment: Nonsense variant predicted to result in protein truncation or nonsense mediated decay in a gene for which loss of function is a known mechanism of disease; Observed in an individual reported to have nemaline myopathy who also possessed a second NEB variant; however familial segregation information and additional clinical information was not included (Cummings et al., 2017); No data available from control populations to assess the frequency of this variant; This variant is associated with the following publications: (PMID: 28424332)

NM_001164508.2(NEB):c.14605C>T (p.Gln4869Ter)

Gene: NEB (nebulin; minus strand). Cytogenetic location: 2q23.3.
Variant type: single nucleotide variant.
Coding change: c.14605C>T on transcript NM_001164508.2 (MANE Select); coding-DNA position 14605, C replaced by T.
Protein change: p.Gln4869Ter; replaces glutamine 4869 with a stop codon.
Molecular consequence: nonsense. On other transcripts: intron variant (1).
Genome position (GRCh38, 1-based): chr2:151,593,132, G>A on the plus strand (C>T on the coding strand, the complement: NEB is on the minus strand). VCF-style: chr2-151593132-G-A. GRCh37 (hg19) VCF-style: chr2-152449646-G-A.
Other names: c.14605C>T, p.Gln4869Ter (NM_001164507.2, NM_001271208.2); c.11601+16677C>T (NM_004543.5); short protein forms Q4869*.
Identifiers: ClinVar variation 1712136 (VCV001712136.2), dbSNP rs2097324109, ClinGen allele CA348762928.